The following is an entry in ClinVar:

ClinVar aggregate classification (germline): Uncertain significance (1 of 4 stars; one submission).

Submission:

Ambry Genetics
Classification: Uncertain significance. Last evaluated: 2026-07-20. Review status: criteria provided, single submitter. Criteria: Ambry Variant Classification Scheme 2023. Collection method: clinical testing. Allele origin: germline.
Comment: The p.D1565E variant (also known as c.4695T>A), located in coding exon 42 of the KIF1B gene, results from a T to A substitution at nucleotide position 4695. The aspartic acid at codon 1565 is replaced by glutamic acid, an amino acid with highly similar properties. This amino acid position is conserved. In addition, this alteration is predicted to be tolerated by in silico analysis. Based on the available evidence, the clinical significance of this variant remains unclear.

NM_001365951.3(KIF1B):c.4833T>A (p.Asp1611Glu)

Gene: KIF1B (kinesin family member 1B; plus strand). Cytogenetic location: 1p36.22.
Variant type: single nucleotide variant.
Coding change: c.4833T>A on transcript NM_001365951.3 (MANE Select); coding-DNA position 4833, T replaced by A.
Protein change: p.Asp1611Glu; replaces aspartic acid 1611 with glutamic acid.
Molecular consequence: missense variant.
Genome position (GRCh38, 1-based): chr1:10,371,149, T>A. VCF-style: chr1-10371149-T-A. GRCh37 (hg19) VCF-style: chr1-10431207-T-A.
Other names: c.4833T>A, p.Asp1611Glu (NM_001365952.1); c.4695T>A, p.Asp1565Glu (NM_015074.3); short protein forms D1611E, D1565E.
Identifiers: ClinVar variation 5023202 (VCV005023202.1).
Genomic context (GRCh38, chr1:10,371,149, plus strand): 5'-GAGGCAGCTTTTTTCAGCTGAATGTAACTTGTAGTGTTCGGTTTGCTTCCAGTTGTCTGA[T>A]ATCTCTCCAATTGGACGGGATCCCTCTGAGTCCAGTTTCAGCAGTGCCACCCTCACTCCC-3'
Protein context (NP_001352880.1, residues 1601-1621): HGSVSDCKLS[Asp1611Glu]ISPIGRDPSE